The following is an entry in ClinVar:

ClinVar aggregate classification (germline): Uncertain significance (1 of 4 stars; one submission).

Conditions:
KBG syndrome (KBGS). Also called: ANKRD11-Related KBG Syndrome. Identifiers: Orphanet 2332, MedGen C0220687, MONDO:0007846, OMIM 148050.

Allele frequency attached by ClinVar (database versions not stated): gnomAD exomes below 0.00001.
gnomAD v4.1: 4 of 1,547,050 alleles (0.00026%); highest among the groups gnomAD compares: Non-Finnish European, 0.00026%; no homozygotes.

Submission:

Labcorp Genetics (formerly Invitae), Labcorp
Classification: Uncertain significance for KBG syndrome. Last evaluated: 2022-09-14. Review status: criteria provided, single submitter. Criteria: Invitae Variant Classification Sherloc (09022015). Collection method: clinical testing. Allele origin: germline.
Comment: This sequence change replaces glutamine, which is neutral and polar, with lysine, which is basic and polar, at codon 2629 of the ANKRD11 protein (p.Gln2629Lys). This variant is not present in population databases (gnomAD no frequency). This variant has not been reported in the literature in individuals affected with ANKRD11-related conditions. Advanced modeling of protein sequence and biophysical properties (such as structural, functional, and spatial information, amino acid conservation, physicochemical variation, residue mobility, and thermodynamic stability) has been performed at Invitae for this missense variant, however the output from this modeling did not meet the statistical confidence thresholds required to predict the impact of this variant on ANKRD11 protein function. In summary, the available evidence is currently insufficient to determine the role of this variant in disease. Therefore, it has been classified as a Variant of Uncertain Significance.

NM_013275.6(ANKRD11):c.7885C>A (p.Gln2629Lys)

Gene: ANKRD11 (ankyrin repeat domain 11; minus strand). Cytogenetic location: 16q24.3.
Variant type: single nucleotide variant.
Coding change: c.7885C>A on transcript NM_013275.6 (MANE Select); coding-DNA position 7885, C replaced by A.
Protein change: p.Gln2629Lys; replaces glutamine 2629 with lysine.
Molecular consequence: missense variant.
Genome position (GRCh38, 1-based): chr16:89,268,585, G>T on the plus strand (C>A on the coding strand, the complement: ANKRD11 is on the minus strand). VCF-style: chr16-89268585-G-T. GRCh37 (hg19) VCF-style: chr16-89334993-G-T.
Other names: c.7885C>A, p.Gln2629Lys (NM_001256182.2, NM_001256183.2); short protein forms Q2629K.
Identifiers: ClinVar variation 1973322 (VCV001973322.5), dbSNP rs2544116920, ClinGen allele CA397145128.